The following is an entry in ClinVar:

NM_000051.4(ATM):c.4437-1G>C

Gene: ATM (ATM serine/threonine kinase; plus strand). Cytogenetic location: 11q22.3.
Variant type: single nucleotide variant.
Coding change: c.4437-1G>C on transcript NM_000051.4 (MANE Select); the canonical splice acceptor site of the intron before coding-DNA position 4437, G replaced by C.
Molecular consequence: splice acceptor variant.
Genome position (GRCh38, 1-based): chr11:108,292,618, G>C. VCF-style: chr11-108292618-G-C. GRCh37 (hg19) VCF-style: chr11-108163345-G-C.
Other names: c.4437-1G>C (NM_001351834.2).
Identifiers: ClinVar variation 231843 (VCV000231843.23), dbSNP rs759520465, ClinGen allele CA6265475.
Genomic context (GRCh38, chr11:108,292,618, plus strand): 5'-ATTTCAGAGTAATTTTCCAGAACTTACTGGTTGTTGTTGTTTTTTTTTCTCCCTATATTA[G>C]GCCTTCTTGTATCATGGATGTGTCATTACGTAGCTTCTCCCTTTGTTGTGACTTATTAAG-3'

ClinVar aggregate classification (germline): Pathogenic/Likely pathogenic. Review status: criteria provided, multiple submitters, no conflicts (2 of 4 stars). 9 submissions from 9 submitters: Pathogenic (6); Likely pathogenic (2). 1 of the submissions does not count toward it. Last evaluated 2025-07-30.

Conditions:
Ataxia-telangiectasia syndrome (AT). Also called: Ataxia telangiectasia (A-T); Ataxia-telangiectasia, complementation group E; LOUIS-BAR SYNDROME; Cerebello-oculocutaneous telangiectasia; Immunodeficiency with ataxia telangiectasia; Ataxia-telangiectasia, complementation group D. Identifiers: Orphanet 100, MedGen C0004135, MONDO:0008840, OMIM 208900.
Hereditary cancer-predisposing syndrome. Also called: Hereditary Cancer Syndrome; Neoplastic Syndromes, Hereditary; Tumor predisposition; Hereditary neoplastic syndrome. Identifiers: Orphanet 140162, MedGen C0027672, MeSH D009386, MONDO:0015356.
Familial cancer of breast. Also called: Hereditary breast cancer; hereditary breast carcinoma; BREAST CANCER, FAMILIAL. Identifiers: Orphanet 227535, MedGen C0346153, MONDO:0016419, OMIM 114480. Disease mechanism: loss of function.

Allele frequency attached by ClinVar (database versions not stated): gnomAD exomes below 0.00001; ExAC 0.00001; gnomAD 0.00001; TOPMed 0.00002.
gnomAD v4.1: 3 of 1,612,920 alleles (0.00019%); highest among the groups gnomAD compares: African/African-American, 0.0013%; no homozygotes.

Submissions (9):

Labcorp Genetics (formerly Invitae), Labcorp
Classification: Pathogenic for Ataxia-telangiectasia syndrome. Last evaluated: 2025-07-30. Review status: criteria provided, single submitter. Criteria: Invitae Variant Classification Sherloc (09022015). Collection method: clinical testing. Allele origin: germline.
Comment: This sequence change affects an acceptor splice site in intron 29 of the ATM gene. It is expected to disrupt RNA splicing. Variants that disrupt the donor or acceptor splice site typically lead to a loss of protein function (PMID: 16199547), and loss-of-function variants in ATM are known to be pathogenic (PMID: 23807571, 25614872). This variant is present in population databases (rs759520465, gnomAD 0.007%). Disruption of this splice site has been observed in individuals with clinical features of ataxia-telangiectasia (PMID: 12815592; internal data). This variant is also known as IVS31-1G>C. ClinVar contains an entry for this variant (Variation ID: 231843). Studies have shown that disruption of this splice site is associated with altered splicing resulting in multiple RNA products (internal data). For these reasons, this variant has been classified as Pathogenic.

Quest Diagnostics Nichols Institute San Juan Capistrano
Classification: Pathogenic. Last evaluated: 2024-12-30. Review status: criteria provided, single submitter. Criteria: Quest Diagnostics criteria. Collection method: clinical testing. Allele origin: unknown.
Comment: The ATM c.4437-1G>C variant disrupts a canonical splice-acceptor site and interferes with normal ATM mRNA splicing. This variant has been reported in the published literature in the homozygous state in an individual with ataxia-telangiectasia (PMID: 12815592 (2003)). The frequency of this variant in the general population (Genome Aggregation Database) is consistent with pathogenicity. Based on the available information, this variant is classified as pathogenic.

Myriad Genetics, Inc.
Classification: Likely pathogenic for Familial cancer of breast. Last evaluated: 2024-01-24. Review status: criteria provided, single submitter. Criteria: Myriad Autosomal Dominant, Autosomal Recessive and X-Linked Classification Criteria (2023). Collection method: clinical testing. Allele origin: unknown.
Comment: This variant is considered likely pathogenic. This variant occurs within a consensus splice junction and is predicted to result in abnormal mRNA splicing of either an out-of-frame exon or an in-frame exon necessary for protein stability and/or normal function.

Ambry Genetics
Classification: Pathogenic for Hereditary cancer-predisposing syndrome. Last evaluated: 2023-09-05. Review status: criteria provided, single submitter. Criteria: Ambry Variant Classification Scheme 2023. Collection method: clinical testing. Allele origin: germline.
Comment: The c.4437-1G>C intronic pathogenic mutation results from a G to C substitution one nucleotide upstream from coding exon 29 of the ATM gene. This nucleotide position is highly conserved in available vertebrate species. In silico splice site analysis predicts that this alteration will weaken the native splice acceptor site and may result in the creation or strengthening of a novel splice acceptor site. RNA studies have demonstrated that this alteration results in abnormal splicing in the set of samples tested (Ambry internal data). In addition to the clinical data presented in the literature, alterations that disrupt the canonical splice site are expected to cause aberrant splicing, resulting in an abnormal protein or a transcript that is subject to nonsense-mediated mRNA decay. As such, this alteration is classified as a disease-causing mutation.

Baylor Genetics
Classification: Pathogenic for Familial cancer of breast. Last evaluated: 2023-08-06. Review status: criteria provided, single submitter. Criteria: ACMG Guidelines, 2015. Collection method: clinical testing. Allele origin: unknown.

GeneDx
Classification: Pathogenic. Last evaluated: 2022-05-24. Review status: criteria provided, single submitter. Criteria: GeneDx Variant Classification Process June 2021. Collection method: clinical testing. Allele origin: germline. Affected: yes.
Comment: Canonical splice site variant predicted to result in a null allele in a gene for which loss-of-function is a known mechanism of disease; Not observed at significant frequency in large population cohorts (gnomAD); Also known as IVS31-1G>C; This variant is associated with the following publications: (PMID: 12815592)

Sema4
Classification: Pathogenic for Hereditary cancer-predisposing syndrome. Last evaluated: 2021-08-25. Review status: criteria provided, single submitter. Criteria: Sema4 Curation Guidelines. Collection method: curation. Allele origin: germline.
Comment: The ATM c.4437-1G>C variant has been reported as homozygous in at least one individual with ataxia-telangiectasia (PMID: 12815592). It is also known as IVS31-1G>C in the literature. This variant is predicted to destroy the canonical splice acceptor site leading to an abnormal or absent protein. Loss of function variants in ATM are known to be pathogenic (PMID: 31050087). It was observed in 1/251072 chromosomes in the large and broad cohorts of the Genome Aggregation Database (PMID: 32461654). The variant has been reported in ClinVar (Variation ID 231843). Based on the current evidence available, this variant is interpreted as pathogenic.

Color Diagnostics, LLC DBA Color Health
Classification: Likely pathogenic for Hereditary cancer-predisposing syndrome. Last evaluated: 2019-11-25. Review status: criteria provided, single submitter. Criteria: ACMG Guidelines, 2015. Collection method: clinical testing. Allele origin: germline.
Comment: This variant causes a G>C nucleotide substitution at the -1 position of intron 29 of the ATM gene. Splice site prediction tools predict that this variant may have a significant impact on RNA splicing. Although this prediction has not been confirmed in published RNA studies, this variant is expected to result in an absent or disrupted protein product. This variant (as known as IVS31-1G>C) has been reported in homozygous state in 1 individual affected with Ataxia-telangiectasia (PMID: 12815592). This variant has been identified in 1/251072 chromosomes in the general population by the Genome Aggregation Database (gnomAD). Loss of ATM function is a known mechanism of disease. Based on the available evidence, this variant is classified as Likely Pathogenic.

Counsyl
Classification: Likely pathogenic for Ataxia-telangiectasia syndrome. Last evaluated: 2018-03-09. Review status: no assertion criteria provided. Collection method: clinical testing. Allele origin: unknown. Not counted in ClinVar's aggregate classification.

Literature cited by the submitters: PubMed 16199547 (cited by Labcorp Genetics (formerly Invitae), Labcorp); PubMed 23807571 (cited by Labcorp Genetics (formerly Invitae), Labcorp); PubMed 25614872 (cited by Labcorp Genetics (formerly Invitae), Labcorp); PubMed 12815592 (cited by 4 submitters); PubMed 31050087 (cited by Sema4).